The following is an entry in ClinVar:

NM_198253.3(TERT):c.869C>T (p.Ser290Phe)

Gene: TERT (telomerase reverse transcriptase; minus strand). Cytogenetic location: 5p15.33.
Variant type: single nucleotide variant.
Coding change: c.869C>T on transcript NM_198253.3 (MANE Select); coding-DNA position 869, C replaced by T.
Protein change: p.Ser290Phe; replaces serine 290 with phenylalanine.
Molecular consequence: missense variant. On other transcripts: non-coding transcript variant (2).
Genome position (GRCh38, 1-based): chr5:1,294,017, G>A on the plus strand (C>T on the coding strand, the complement: TERT is on the minus strand). VCF-style: chr5-1294017-G-A. GRCh37 (hg19) VCF-style: chr5-1294132-G-A.
Other names: c.869C>T, p.Ser290Phe (NM_001193376.3, NM_003219.1); short protein forms S290F.
Identifiers: ClinVar variation 3238489 (VCV003238489.1), dbSNP rs147056740.

ClinVar aggregate classification (germline): Uncertain significance (1 of 4 stars; one submission).

Conditions:
Dyskeratosis congenita. Identifiers: Orphanet 1775, MedGen C0265965, MONDO:0015780.

Submission:

Ambry Genetics
Classification: Uncertain significance for Dyskeratosis congenita. Last evaluated: 2024-02-22. Review status: criteria provided, single submitter. Criteria: Ambry Variant Classification Scheme 2023. Collection method: clinical testing. Allele origin: germline.
Comment: The p.S290F variant (also known as c.869C>T), located in coding exon 2 of the TERT gene, results from a C to T substitution at nucleotide position 869. The serine at codon 290 is replaced by phenylalanine, an amino acid with highly dissimilar properties. This amino acid position is conserved. In addition, this alteration is predicted to be tolerated by in silico analysis. Based on the available evidence, the clinical significance of this alteration remains unclear.